The following is an entry in ClinVar:

ClinVar aggregate classification (germline): Uncertain significance. Review status: criteria provided, multiple submitters, no conflicts (2 of 4 stars). 2 submissions from 2 submitters: Uncertain significance (2). Last evaluated 2024-10-16.

Allele frequency attached by ClinVar (database versions not stated): gnomAD 0.00001; TOPMed 0.00001; gnomAD exomes 0.00002.
gnomAD v4.1: 15 of 1,543,782 alleles (0.00097%); highest among the groups gnomAD compares: African/African-American, 0.0014%; no homozygotes.

Submissions (2):

Labcorp Genetics (formerly Invitae), Labcorp
Classification: Uncertain significance. Last evaluated: 2024-10-16. Review status: criteria provided, single submitter. Criteria: Invitae Variant Classification Sherloc (09022015). Collection method: clinical testing. Allele origin: germline.
Comment: This sequence change replaces asparagine, which is neutral and polar, with aspartic acid, which is acidic and polar, at codon 2151 of the EYS protein (p.Asn2151Asp). This variant is present in population databases (no rsID available, gnomAD 0.01%). This variant has not been reported in the literature in individuals affected with EYS-related conditions. ClinVar contains an entry for this variant (Variation ID: 2162211). Invitae Evidence Modeling of protein sequence and biophysical properties (such as structural, functional, and spatial information, amino acid conservation, physicochemical variation, residue mobility, and thermodynamic stability) has been performed for this missense variant. However, the output from this modeling did not meet the statistical confidence thresholds required to predict the impact of this variant on EYS protein function. In summary, the available evidence is currently insufficient to determine the role of this variant in disease. Therefore, it has been classified as a Variant of Uncertain Significance.

Blueprint Genetics
Classification: Uncertain significance. Last evaluated: 2020-07-17. Review status: criteria provided, single submitter. Criteria: ACMG Guidelines, 2015. Collection method: clinical testing. Allele origin: germline.

NM_001142800.2(EYS):c.6451A>G (p.Asn2151Asp)

Gene: EYS (EGF-like photoreceptor maintenance factor; minus strand). Cytogenetic location: 6q12.
Variant type: single nucleotide variant.
Coding change: c.6451A>G on transcript NM_001142800.2 (MANE Select); coding-DNA position 6451, A replaced by G.
Protein change: p.Asn2151Asp; replaces asparagine 2151 with aspartic acid.
Molecular consequence: missense variant.
Genome position (GRCh38, 1-based): chr6:64,081,976, T>C on the plus strand (A>G on the coding strand, the complement: EYS is on the minus strand). VCF-style: chr6-64081976-T-C. GRCh37 (hg19) VCF-style: chr6-64791869-T-C.
Other names: c.6451A>G, p.Asn2151Asp (NM_001292009.2); short protein forms N2151D.
Identifiers: ClinVar variation 2162211 (VCV002162211.3), dbSNP rs1318343137, ClinGen allele CA364391057.